The following is an entry in ClinVar:

ClinVar aggregate classification (germline): Uncertain significance (1 of 4 stars; one submission).

Allele frequency attached by ClinVar (database versions not stated): TOPMed below 0.00001; ExAC 0.00002.
gnomAD v4.1: 4 of 1,613,964 alleles (0.00025%); highest among the groups gnomAD compares: Admixed American, 0.005%; no homozygotes.

Submission:

Labcorp Genetics (formerly Invitae), Labcorp
Classification: Uncertain significance. Last evaluated: 2022-03-04. Review status: criteria provided, single submitter. Criteria: Invitae Variant Classification Sherloc (09022015). Collection method: clinical testing. Allele origin: germline.
Comment: This sequence change replaces histidine, which is basic and polar, with aspartic acid, which is acidic and polar, at codon 213 of the COX15 protein (p.His213Asp). This variant is present in population databases (rs776960690, gnomAD 0.009%). This variant has not been reported in the literature in individuals affected with COX15-related conditions. Algorithms developed to predict the effect of missense changes on protein structure and function are either unavailable or do not agree on the potential impact of this missense change (SIFT: "Not Available"; PolyPhen-2: "Benign"; Align-GVGD: "Not Available"). In summary, the available evidence is currently insufficient to determine the role of this variant in disease. Therefore, it has been classified as a Variant of Uncertain Significance.

NM_078470.6(COX15):c.637C>G (p.His213Asp)

Gene: COX15 (cytochrome c oxidase assembly homolog COX15; minus strand). Cytogenetic location: 10q24.2.
Variant type: single nucleotide variant.
Coding change: c.637C>G on transcript NM_078470.6 (MANE Select); coding-DNA position 637, C replaced by G.
Protein change: p.His213Asp; replaces histidine 213 with aspartic acid.
Molecular consequence: missense variant. On other transcripts: non-coding transcript variant (1).
Genome position (GRCh38, 1-based): chr10:99,724,069, G>C on the plus strand (C>G on the coding strand, the complement: COX15 is on the minus strand). VCF-style: chr10-99724069-G-C. GRCh37 (hg19) VCF-style: chr10-101483826-G-C.
Other names: c.637C>G, p.His213Asp (NM_001320974.2, NM_001320975.2, NM_001372024.1 and 5 more transcripts); c.100C>G, p.His34Asp (NM_001320976.2); short protein forms H34D, H213D.
Identifiers: ClinVar variation 1940389 (VCV001940389.2), dbSNP rs776960690, ClinGen allele CA5642216.
Genomic context (GRCh38, chr10:99,724,069, plus strand): 5'-GAACCAGGGCTGATCCCAGGTGGGCAGCAAGGCGGTACTGACTGACCCGAGGGATGTCAT[G>C]GGAGTCTGATTTTTCTTCTAGTCCACTTTTCACCATATACCATCCCAACAGACCCTAGAA-3'
Protein context (NP_510870.1, residues 203-223): KSGLEEKSDS[His213Asp]DIPRVSQYRL